The following is an entry in ClinVar:

NM_007055.4(POLR3A):c.1048+5G>T

Gene: POLR3A (RNA polymerase III subunit A; minus strand). Cytogenetic location: 10q22.3.
Variant type: single nucleotide variant.
Coding change: c.1048+5G>T on transcript NM_007055.4 (MANE Select); 5 bases into the intron after coding-DNA position 1048, G replaced by T.
Molecular consequence: intron variant.
Genome position (GRCh38, 1-based): chr10:78,021,855, C>A on the plus strand (G>T on the coding strand, the complement: POLR3A is on the minus strand). VCF-style: chr10-78021855-C-A. GRCh37 (hg19) VCF-style: chr10-79781613-C-A.
Other names: IVS7, G-T, +5 (rs890755853).
Identifiers: ClinVar variation 549560 (VCV000549560.7), dbSNP rs890755853, ClinGen allele CA210224951.
Genomic context (GRCh38, chr10:78,021,855, plus strand): 5'-AGACACTCCTGAAAAAGGAACCAAAGAGAGTGGGCTGGCTTCTGCACATCTTGTGGGAAA[C>A]CTACCCTGTTTTCCCTTCAGGCGTTGGACGAAGCCTCTGGTCCACTTCTTGGGTGCCATG-3'

ClinVar aggregate classification (germline): Pathogenic/Likely pathogenic. Review status: criteria provided, multiple submitters, no conflicts (2 of 4 stars). 7 submissions from 7 submitters: Pathogenic (3); Likely pathogenic (2). 2 of the submissions do not count toward it. Last evaluated 2025-08-14.

Conditions:
Neonatal pseudo-hydrocephalic progeroid syndrome. Also called: Wiedemann-Rautenstrauch syndrome. Identifiers: Orphanet 3455, MedGen C0406586, MONDO:0009910, OMIM 264090.
Autosomal recessive POLR3A-related disorders.
Leukodystrophy, hypomyelinating, 7, with or without oligodontia and/or hypogonadotropic hypogonadism (HLD7). Also called: LEUKOENCEPHALOPATHY, HYPOMYELINATING, WITH ATAXIA AND DELAYED DENTITION; ATAXIA, DELAYED DENTITION, AND HYPOMYELINATION; LEUKODYSTROPHY, HYPOMYELINATING, 7, WITH OLIGODONTIA; LEUKODYSTROPHY, HYPOMYELINATING, 7, WITH OLIGODONTIA AND HYPOGONADOTROPIC HYPOGONADISM; LEUKODYSTROPHY, HYPOMYELINATING, 7, WITHOUT OLIGODONTIA OR HYPOGONADOTROPIC HYPOGONADISM; Ataxia, Delayed Dentition and Hypomyelination (ADDH). Identifiers: Orphanet 137639, Orphanet 447893, Orphanet 447896, Orphanet 77295, Orphanet 88637, MedGen CN034185, MONDO:0011897, OMIM 607694.

Allele frequency attached by ClinVar (database versions not stated): gnomAD exomes below 0.00001 and 0.00001; TOPMed below 0.00001; gnomAD 0.00001.
gnomAD v4.1: 14 of 1,613,296 alleles (0.00087%); highest among the groups gnomAD compares: Non-Finnish European, 0.0012%; no homozygotes.

Submissions (7):

Variantyx, Inc.
Classification: Pathogenic for Autosomal recessive POLR3A-related disorders. Last evaluated: 2025-08-14. Review status: criteria provided, single submitter. Criteria: Variantyx Assertion Criteria 2022. Collection method: clinical testing. Allele origin: germline. Inheritance: Autosomal recessive inheritance. Affected: yes.
Comment: This is an intronic variant in the POLR3A gene (OMIM: 614258). Pathogenic variants in this gene have been associated with autosomal recessive POLR3A-related disorders. This splicing variant is expected to result in loss of function, which is a known disease mechanism for POLR3A in this disorder (PMID: 28459997, 30323018) (PVS1). This variant has a 0.0012% maximum allele frequency in non-founder control populations (PM2). Algorithms that predict the potential impact of sequence variants on RNA splicing suggest that this variant has conflicting evidence regarding the effect on splicing. Based on the current evidence, this variant is classified as pathogenic for autosomal recessive POLR3A-related disorders.A

Labcorp Genetics (formerly Invitae), Labcorp
Classification: Pathogenic. Last evaluated: 2025-06-15. Review status: criteria provided, single submitter. Criteria: Invitae Variant Classification Sherloc (09022015). Collection method: clinical testing. Allele origin: germline.
Comment: This sequence change falls in intron 7 of the POLR3A gene. It does not directly change the encoded amino acid sequence of the POLR3A protein. It affects a nucleotide within the consensus splice site. This variant is present in population databases (no rsID available, gnomAD 0.0009%). This variant has been observed in individual(s) with clinical features of POLR3A-related conditions (PMID: 30323018, 31940116). In at least one individual the data is consistent with being in trans (on the opposite chromosome) from a pathogenic variant. ClinVar contains an entry for this variant (Variation ID: 549560). Variants that disrupt the consensus splice site are a relatively common cause of aberrant splicing (PMID: 17576681, 9536098). Algorithms developed to predict the effect of sequence changes on RNA splicing suggest that this variant may disrupt the consensus splice site. For these reasons, this variant has been classified as Pathogenic.

Broad Center for Mendelian Genomics, Broad Institute of MIT and Harvard
Classification: Likely pathogenic for Leukodystrophy, hypomyelinating, 7, with or without oligodontia and/or hypogonadotropic hypogonadism. Last evaluated: 2024-01-24. Review status: criteria provided, single submitter. Criteria: ACMG Guidelines, 2015. Collection method: curation. Allele origin: germline. Inheritance: Autosomal recessive inheritance.
Comment: The c.1048+5G>T variant in POLR3A has been reported in 3 individuals with POLR3A-related disorders (PMID: 28459997, 30323018, 31940116, 33972714) and has been identified in 0.0009% (1/113660) of European (non-Finnish) chromosomes by the Genome Aggregation Database (gnomAD; dbSNP ID: rs890755853). Although this variant has been seen in the general population in a heterozygous state, its frequency is low enough to be consistent with a recessive carrier frequency. This variant has also been reported in ClinVar (Variation ID#: 549560) and has been interpreted as likely pathogenic or pathogenic by Tartaglia Lab, Genetics and Rare Diseases Research Division (Bambino Gesu' Children's Hospital) and OMIM. Of the 3 affected individuals, 2 were compound heterozygotes that carried reported pathogenic variants in trans, which increases the likelihood that the c.1048+5G>T variant is pathogenic (VariationID: 445922, 449556; PMID: 28459997, 30323018, 31940116, 33972714). In vitro functional studies provide some evidence that the c.1048+5G>T variant may impact protein function (PMID: 28459997, 30323018). However, these types of assays may not accurately represent biological function. This variant is located in the 3’ splice region. Computational tools do suggest an impact to splicing. However, this information is not predictive enough to rule out pathogenicity. In summary, although additional studies are required to fully establish its clinical significance, this variant is likely pathogenic for autosomal recessive POLR3A-related disorders. ACMG/AMP Criteria applied: PS3_moderate, PM3_strong, PM2_supporting, PP3 (Richards 2015).

Molecular Genetics, Royal Melbourne Hospital
Classification: Pathogenic for Leukodystrophy, hypomyelinating, 7, with or without oligodontia and/or hypogonadotropic hypogonadism. Last evaluated: 2022-04-01. Review status: criteria provided, single submitter. Criteria: ACMG Guidelines, 2015. Collection method: clinical testing. Allele origin: germline. Affected: yes.
Comment: This sequence change in POLR3A is an intronic variant located in intron 7. This variant is present in a single individual in gnomAD v2.1 (1/113,660 alleles) in the European (non-Finnish) population, which is consistent with recessive disease. This variant has been detected in at least two individuals with spastic ataxia and one individual with Wiedemann-rautenstrauch syndrome. All individuals were compound heterozygous for the variant and a pathogenic variant and two of those were confirmed in trans by parental/family testing (PMID: 28459997, 30323018, 33972714). The results from multiple in silico splicing predictors (SpliceAI, MaxEntScan, NNSplice) indicate that this variant may impact splicing by disrupting the donor splice site of intron 7 of POLR3A. This prediction is confirmed by RT-PCR. The assay demonstrated that the variant impacts splicing by inclusion of all 177 bp of intron 7 (PMID: 28459997, 30323018, 33972714). Based on the classification scheme RMH Modified ACMG Guidelines v1.5.1, this variant is classified as PATHOGENIC. Following criteria are met: PS3, PM3_Strong, PM2_Supporting, PP3.

Tartaglia Lab, Genetics and Rare Diseases Research Division, Bambino Gesu' Children's Hospital
Classification: Likely pathogenic for Neonatal pseudo-hydrocephalic progeroid syndrome. Last evaluated: 2018-04-01. Review status: criteria provided, single submitter. Criteria: ACMG Guidelines, 2015. Collection method: research. Allele origin: germline. Affected: yes.

OMIM
Classification: Pathogenic for WIEDEMANN-RAUTENSTRAUCH SYNDROME. Last evaluated: 2024-04-02. Review status: no assertion criteria provided. Collection method: literature only. Allele origin: germline. Not counted in ClinVar's aggregate classification.

Solve-RD Consortium
Classification: Likely pathogenic for Leukodystrophy, hypomyelinating, 7, with or without oligodontia and/or hypogonadotropic hypogonadism. Last evaluated: 2022-06-01. Review status: no assertion criteria provided. Collection method: provider interpretation. Allele origin: inherited. Affected: yes. Not counted in ClinVar's aggregate classification.
Comment: Variant confirmed as disease-causing by referring clinical team

Variant identified during reanalysis of unsolved cases by the Solve-RD project. The Solve-RD project has received funding from the European Union’s Horizon 2020 research and innovation programme under grant agreement No 779257.

Literature cited by the submitters: PubMed 28459997 (cited by Variantyx, Inc. and Molecular Genetics, Royal Melbourne Hospital); PubMed 30323018 (cited by 4 submitters); PubMed 33972714 (cited by Variantyx, Inc. and Molecular Genetics, Royal Melbourne Hospital); PubMed 31940116 (cited by Labcorp Genetics (formerly Invitae), Labcorp); PubMed 17576681 (cited by Labcorp Genetics (formerly Invitae), Labcorp); PubMed 9536098 (cited by Labcorp Genetics (formerly Invitae), Labcorp); PubMed 39825153 (cited by Solve-RD Consortium).